The following is an entry in ClinVar:

NM_007294.4(BRCA1):c.57G>T (p.Gln19His)

Gene: BRCA1 (BRCA1 DNA repair associated; minus strand). Cytogenetic location: 17q21.31.
Variant type: single nucleotide variant.
Coding change: c.57G>T on transcript NM_007294.4 (MANE Select); coding-DNA position 57, G replaced by T.
Protein change: p.Gln19His; replaces glutamine 19 with histidine.
Molecular consequence: missense variant. On other transcripts: 5 prime UTR variant (1), non-coding transcript variant (1).
Genome position (GRCh38, 1-based): chr17:43,124,040, C>A on the plus strand (G>T on the coding strand, the complement: BRCA1 is on the minus strand). VCF-style: chr17-43124040-C-A. GRCh37 (hg19) VCF-style: chr17-41276057-C-A.
Other names: c.57G>T, p.Gln19His (NM_001407863.1, NM_001407874.1, NM_001407875.1 and 193 more transcripts); c.-132G>T (NM_001407879.1, NM_001407882.1, NM_001407884.1 and 46 more transcripts); c.-78G>T (NM_001407881.1, NM_001407898.1, NM_001407902.1); c.-248G>T (NM_001407889.1, NM_001408492.1); c.-251G>T (NM_001407917.1, NM_001407954.1, NM_001408513.1); c.-230G>T (NM_001407920.1, NM_001407697.1, NM_001407846.1); c.-204G>T (NM_001407921.1, NM_001407923.1, NM_001407927.1 and 22 more transcripts); c.-31G>T (NM_001407924.1, NM_001407925.1, NM_001407928.1 and 23 more transcripts); and 8 more; short protein forms Q19H.
Identifiers: ClinVar variation 868741 (VCV000868741.3), dbSNP rs2055725365, ClinGen allele CA10602042.

Conditions:
Breast-ovarian cancer, familial, susceptibility to, 1 (BROVCA1). Also called: BRCA1 Hereditary Breast and Ovarian Cancer; OVARIAN CANCER, SUSCEPTIBILITY TO. Identifiers: Orphanet 145, MedGen C2676676, MONDO:0011450, OMIM 604370. Disease mechanism: loss of function.

Submission:

Brotman Baty Institute, University of Washington
No classification provided (evidence only). Condition: Breast-ovarian cancer, familial 1. Review status: no classification provided. Collection method: in vitro. Allele origin: not applicable. Functional consequence: functionally_normal.
ClinVar note: "not provided" was previously submitted as the classification for the variant. However, the classification appeared to be based only on an observation of functional data so it was converted to no classification on 2025-07-30.